The following is an entry in ClinVar:

NM_001288705.3(CSF1R):c.1222T>C (p.Trp408Arg)

Gene: CSF1R (colony stimulating factor 1 receptor; minus strand). Cytogenetic location: 5q32.
Variant type: single nucleotide variant.
Coding change: c.1222T>C on transcript NM_001288705.3 (MANE Select); coding-DNA position 1222, T replaced by C.
Protein change: p.Trp408Arg; replaces tryptophan 408 with arginine.
Molecular consequence: missense variant. On other transcripts: non-coding transcript variant (2).
Genome position (GRCh38, 1-based): chr5:150,070,279, A>G on the plus strand (T>C on the coding strand, the complement: CSF1R is on the minus strand). VCF-style: chr5-150070279-A-G. GRCh37 (hg19) VCF-style: chr5-149449842-A-G.
Other names: c.1222T>C, p.Trp408Arg (NM_001349736.2, NM_001375320.1, NM_005211.4); c.778T>C, p.Trp260Arg (NM_001375321.1); short protein forms W408R, W260R.
Identifiers: ClinVar variation 2084724 (VCV002084724.4), dbSNP rs984334332, ClinGen allele CA129069248.
Genomic context (GRCh38, chr5:150,070,279, plus strand): 5'-TGGGCTGGGGGTACCCAGAGGCAGCACACAAAAGGGTGCCAGAGCCGTTGATGAATGTCC[A>G]TATGACGCTTACCTCTGGGGGGTCTGAGGAAGAAAGGAGGAGGCCCCAAGTCACACTTTC-3'
Protein context (NP_001275634.1, residues 398-418): LRYPPEVSVI[Trp408Arg]TFINGSGTLL

ClinVar aggregate classification (germline): Uncertain significance (1 of 4 stars; one submission).

Allele frequency attached by ClinVar (database versions not stated): gnomAD exomes below 0.00001; TOPMed 0.00001.
gnomAD v4.1: 1 of 1,614,136 alleles (0.000062%); highest among the groups gnomAD compares: Non-Finnish European, 0.000085%; no homozygotes.

Submission:

Labcorp Genetics (formerly Invitae), Labcorp
Classification: Uncertain significance. Last evaluated: 2025-11-22. Review status: criteria provided, single submitter. Criteria: Invitae Variant Classification Sherloc (09022015). Collection method: clinical testing. Allele origin: germline.
Comment: This sequence change replaces tryptophan, which is neutral and slightly polar, with arginine, which is basic and polar, at codon 408 of the CSF1R protein (p.Trp408Arg). This variant is not present in population databases (gnomAD no frequency). This variant has not been reported in the literature in individuals affected with CSF1R-related conditions. ClinVar contains an entry for this variant (Variation ID: 2084724). Invitae Evidence Modeling of protein sequence and biophysical properties (such as structural, functional, and spatial information, amino acid conservation, physicochemical variation, residue mobility, and thermodynamic stability) indicates that this missense variant is not expected to disrupt CSF1R protein function with a negative predictive value of 95%. In summary, the available evidence is currently insufficient to determine the role of this variant in disease. Therefore, it has been classified as a Variant of Uncertain Significance.